The following is an entry in ClinVar:

ClinVar aggregate classification (germline): Uncertain significance (1 of 4 stars; one submission).

Conditions:
Thrombophilia due to protein S deficiency, autosomal recessive (THPH6). Identifiers: Orphanet 743, MedGen C3281092, MONDO:0013791, OMIM 614514. Disease mechanism: loss of function.

Submission:

Labcorp Genetics (formerly Invitae), Labcorp
Classification: Uncertain significance for Thrombophilia due to protein S deficiency, autosomal recessive. Last evaluated: 2025-10-21. Review status: criteria provided, single submitter. Criteria: Invitae Variant Classification Sherloc (09022015). Collection method: clinical testing. Allele origin: germline.
Comment: This sequence change replaces glycine, which is neutral and non-polar, with serine, which is neutral and polar, at codon 262 of the PROS1 protein (p.Gly262Ser). This variant is not present in population databases (gnomAD no frequency). This variant has not been reported in the literature in individuals affected with PROS1-related conditions. Invitae Evidence Modeling of protein sequence and biophysical properties (such as structural, functional, and spatial information, amino acid conservation, physicochemical variation, residue mobility, and thermodynamic stability) indicates that this missense variant is not expected to disrupt PROS1 protein function with a negative predictive value of 80%. In summary, the available evidence is currently insufficient to determine the role of this variant in disease. Therefore, it has been classified as a Variant of Uncertain Significance.

NM_000313.4(PROS1):c.784G>A (p.Gly262Ser)

Gene: PROS1 (protein S; minus strand). Cytogenetic location: 3q11.1.
Variant type: single nucleotide variant.
Coding change: c.784G>A on transcript NM_000313.4 (MANE Select); coding-DNA position 784, G replaced by A.
Protein change: p.Gly262Ser; replaces glycine 262 with serine.
Molecular consequence: missense variant.
Genome position (GRCh38, 1-based): chr3:93,898,513, C>T on the plus strand (G>A on the coding strand, the complement: PROS1 is on the minus strand). VCF-style: chr3-93898513-C-T. GRCh37 (hg19) VCF-style: chr3-93617357-C-T.
Other names: c.880G>A, p.Gly294Ser (NM_001314077.2); short protein forms G262S, G294S.
Identifiers: ClinVar variation 4739750 (VCV004739750.1).